The following is an entry in ClinVar:

ClinVar aggregate classification (germline): Uncertain significance (1 of 4 stars; one submission).

Conditions:
Hypertrophic cardiomyopathy. Also called: HYPERTROPHIC MYOCARDIOPATHY. Identifiers: Orphanet 217569, MedGen C0007194, MeSH D002312, MONDO:0005045, HP:0001639.

Submission:

Labcorp Genetics (formerly Invitae), Labcorp
Classification: Uncertain significance for Hypertrophic cardiomyopathy. Last evaluated: 2025-07-22. Review status: criteria provided, single submitter. Criteria: Invitae Variant Classification Sherloc (09022015). Collection method: clinical testing. Allele origin: germline.
Comment: This sequence change replaces glycine, which is neutral and non-polar, with serine, which is neutral and polar, at codon 144 of the MYBPC3 protein (p.Gly144Ser). This variant is not present in population databases (gnomAD no frequency). This variant has not been reported in the literature in individuals affected with MYBPC3-related conditions. An algorithm developed to predict the effect of missense changes on protein structure and function (PolyPhen-2) suggests that this variant is likely to be tolerated. In summary, the available evidence is currently insufficient to determine the role of this variant in disease. Therefore, it has been classified as a Variant of Uncertain Significance.

NM_000256.3(MYBPC3):c.430G>A (p.Gly144Ser)

Gene: MYBPC3 (myosin binding protein C3; minus strand). Cytogenetic location: 11p11.2.
Variant type: single nucleotide variant.
Coding change: c.430G>A on transcript NM_000256.3 (MANE Select); coding-DNA position 430, G replaced by A.
Protein change: p.Gly144Ser; replaces glycine 144 with serine.
Molecular consequence: missense variant.
Genome position (GRCh38, 1-based): chr11:47,350,089, C>T on the plus strand (G>A on the coding strand, the complement: MYBPC3 is on the minus strand). VCF-style: chr11-47350089-C-T. GRCh37 (hg19) VCF-style: chr11-47371640-C-T.
Other names: short protein forms G144S.
Identifiers: ClinVar variation 4706868 (VCV004706868.1).